The following is an entry in ClinVar:

ClinVar aggregate classification (germline): Uncertain significance (1 of 4 stars; one submission).

Conditions:
Osteogenesis imperfecta type 8 (OI8). Identifiers: MedGen C1970458, MONDO:0012581, OMIM 610915.

gnomAD v4.1: 11 of 1,611,222 alleles (0.00068%); highest among the groups gnomAD compares: Non-Finnish European, 0.00093%; no homozygotes.

Submission:

Labcorp Genetics (formerly Invitae), Labcorp
Classification: Uncertain significance for Osteogenesis imperfecta type 8. Last evaluated: 2024-05-16. Review status: criteria provided, single submitter. Criteria: Invitae Variant Classification Sherloc (09022015). Collection method: clinical testing. Allele origin: germline.
Comment: This sequence change replaces arginine, which is basic and polar, with serine, which is neutral and polar, at codon 647 of the P3H1 protein (p.Arg647Ser). This variant is present in population databases (no rsID available, gnomAD 0.002%). This variant has not been reported in the literature in individuals affected with P3H1-related conditions. Advanced modeling of protein sequence and biophysical properties (such as structural, functional, and spatial information, amino acid conservation, physicochemical variation, residue mobility, and thermodynamic stability) performed at Invitae indicates that this missense variant is expected to disrupt P3H1 protein function with a positive predictive value of 80%. In summary, the available evidence is currently insufficient to determine the role of this variant in disease. Therefore, it has been classified as a Variant of Uncertain Significance.

NM_022356.4(P3H1):c.1941A>T (p.Arg647Ser)

Gene: P3H1 (prolyl 3-hydroxylase 1; minus strand). Cytogenetic location: 1p34.2.
Variant type: single nucleotide variant.
Coding change: c.1941A>T on transcript NM_022356.4 (MANE Select); coding-DNA position 1941, A replaced by T.
Protein change: p.Arg647Ser; replaces arginine 647 with serine.
Molecular consequence: missense variant.
Genome position (GRCh38, 1-based): chr1:42,747,386, T>A on the plus strand (A>T on the coding strand, the complement: P3H1 is on the minus strand). VCF-style: chr1-42747386-T-A. GRCh37 (hg19) VCF-style: chr1-43213057-T-A.
Other names: c.1941A>T, p.Arg647Ser (NM_001146289.2, NM_001243246.2); short protein forms R647S.
Identifiers: ClinVar variation 3612954 (VCV003612954.2).